The following is an entry in ClinVar:

NM_001146079.2(CLDN14):c.427G>A (p.Val143Met)

Genes: CLDN14-AS1 (CLDN14 antisense RNA 1; plus strand), CLDN14 (claudin 14; minus strand). Cytogenetic location: 21q22.13.
Variant type: single nucleotide variant.
Coding change: c.427G>A on transcript NM_001146079.2 (MANE Select); coding-DNA position 427, G replaced by A.
Protein change: p.Val143Met; replaces valine 143 with methionine.
Molecular consequence: missense variant.
Genome position (GRCh38, 1-based): chr21:36,461,269, C>T on the plus strand (G>A on the coding strand, the complement: CLDN14 is on the minus strand). VCF-style: chr21-36461269-C-T. GRCh37 (hg19) VCF-style: chr21-37833567-C-T.
Other names: c.427G>A, p.Val143Met (NM_001146077.2, NM_001146078.3, NM_012130.4 and 1 more transcripts); c.427G>A (NM_144492.2); short protein forms V143M.
Identifiers: ClinVar variation 1344632 (VCV001344632.3), dbSNP rs776564488, ClinGen allele CA10019259.

ClinVar aggregate classification (germline): Uncertain significance. Review status: criteria provided, single submitter (1 of 4 stars). 2 submissions from 2 submitters: Uncertain significance (1). 1 of the submissions does not count toward it. Last evaluated 2025-07-24.

Conditions:
Vein of Galen aneurysmal malformation (VGAM). Also called: Vein of Galen aneurysm; Aneurysm of the vein of Galen; Vein of Galen malformation; Ectasia or varix of the vein of Galen; Galenic arteriovenous malformation; Vein of Galen aneurysm malformation. Identifiers: Orphanet 1053, MedGen C0431420, MONDO:0015196, HP:0030713.

Allele frequency attached by ClinVar (database versions not stated): TOPMed 0.00002; gnomAD 0.00003 and 0.00004; gnomAD exomes 0.00003.
gnomAD v4.1: 55 of 1,613,768 alleles (0.0034%); highest among the groups gnomAD compares: South Asian, 0.019%; no homozygotes.

Submissions (2):

GeneDx
Classification: Uncertain significance. Last evaluated: 2025-07-24. Review status: criteria provided, single submitter. Criteria: GeneDx Variant Classification Process June 2021. Collection method: clinical testing. Allele origin: germline. Affected: yes.
Comment: Reported without a second variant in multiple individuals belonging to a single family with chorodial Vein of Galen malformations in published literature (Duran et al., 2019); Not observed at significant frequency in large population cohorts (gnomAD); In silico analysis suggests that this missense variant does not alter protein structure/function; This variant is associated with the following publications: (PMID: 34426522, 30578106)

Yale Center for Mendelian Genomics, Yale University
Classification: association for Vein of Galen aneurysmal malformation. Last evaluated: 2018-12-18. Review status: no assertion criteria provided. Collection method: literature only. Allele origin: germline. Affected: yes. Observed: 5 heterozygotes. Study: Yale Center for Mendelian Genomics. Not counted in ClinVar's aggregate classification.

Literature cited by the submitters: PubMed 30578106 (cited by Yale Center for Mendelian Genomics, Yale University).